The following is an entry in ClinVar:

NM_000089.4(COL1A2):c.440C>G (p.Pro147Arg)

Gene: COL1A2 (collagen type I alpha 2 chain; plus strand). Cytogenetic location: 7q21.3.
Variant type: single nucleotide variant.
Coding change: c.440C>G on transcript NM_000089.4 (MANE Select); coding-DNA position 440, C replaced by G.
Protein change: p.Pro147Arg; replaces proline 147 with arginine.
Molecular consequence: missense variant.
Genome position (GRCh38, 1-based): chr7:94,405,206, C>G. VCF-style: chr7-94405206-C-G. GRCh37 (hg19) VCF-style: chr7-94034518-C-G.
Other names: short protein forms P147R.
Identifiers: ClinVar variation 2936923 (VCV002936923.3), dbSNP rs761611783, ClinGen allele CA368219775.

ClinVar aggregate classification (germline): Uncertain significance (1 of 4 stars; one submission).

Conditions:
Osteogenesis imperfecta type I (OI1). Also called: Lobstein disease; OI, TYPE I; OSTEOGENESIS IMPERFECTA TARDA; OSTEOGENESIS IMPERFECTA WITH BLUE SCLERAE; Osteogenesis imperfecta type 1; Lobstein's Disease. Identifiers: Orphanet 216796, Orphanet 666, MedGen C0023931, MONDO:0008146, OMIM 166200. Disease mechanism: loss of function.
Ehlers-Danlos syndrome, classic type, 1 (EDSCL1). Also called: EDS I; EHLERS-DANLOS SYNDROME, GRAVIS TYPE; EHLERS-DANLOS SYNDROME, SEVERE CLASSIC TYPE; Ehlers-Danlos syndrome, type 1; Ehlers-Danlos Syndrome, Classic Type, COL5A1-Related. Identifiers: MedGen C0268335, MONDO:0019567, OMIM 130000.

Submission:

Labcorp Genetics (formerly Invitae), Labcorp
Classification: Uncertain significance for Osteogenesis imperfecta type I; Ehlers-Danlos syndrome, classic type, 1. Last evaluated: 2025-10-30. Review status: criteria provided, single submitter. Criteria: Invitae Variant Classification Sherloc (09022015). Collection method: clinical testing. Allele origin: germline.
Comment: This sequence change replaces proline, which is neutral and non-polar, with arginine, which is basic and polar, at codon 147 of the COL1A2 protein (p.Pro147Arg). This variant is not present in population databases (gnomAD no frequency). This variant has not been reported in the literature in individuals affected with COL1A2-related conditions. ClinVar contains an entry for this variant (Variation ID: 2936923). Invitae Evidence Modeling of protein sequence and biophysical properties (such as structural, functional, and spatial information, amino acid conservation, physicochemical variation, residue mobility, and thermodynamic stability) indicates that this missense variant is not expected to disrupt COL1A2 protein function with a negative predictive value of 95%. In summary, the available evidence is currently insufficient to determine the role of this variant in disease. Therefore, it has been classified as a Variant of Uncertain Significance.